The following is an entry in ClinVar:

ClinVar aggregate classification (germline): Uncertain significance. Review status: criteria provided, multiple submitters, no conflicts (2 of 4 stars). 2 submissions from 2 submitters: Uncertain significance (2). Last evaluated 2025-08-12.

Conditions:
Isovaleryl-CoA dehydrogenase deficiency (IVA). Also called: Isovaleric acidemia; Classic Isovaleric Acidemia; ISOVALERIC ACID CoA DEHYDROGENASE DEFICIENCY; IVD DEFICIENCY. Identifiers: Orphanet 33, MedGen C0268575, MONDO:0009475, OMIM 243500.

Allele frequency attached by ClinVar (database versions not stated): gnomAD exomes 0.00013; gnomAD 0.00017 and 0.00018; 1000 Genomes Project 0.00020; ExAC 0.00020; TOPMed 0.00022; ESP Exome Variant Server 0.00031; 1000 Genomes Project 30x 0.00047.
gnomAD v4.1: 347 of 1,612,956 alleles (0.022%); highest among the groups gnomAD compares: African/African-American, 0.059%; no homozygotes.

Submissions (3):

GeneDx
Classification: Uncertain significance. Last evaluated: 2025-08-12. Review status: criteria provided, single submitter. Criteria: GeneDx Variant Classification Process June 2021. Collection method: clinical testing. Allele origin: germline. Affected: yes.
Comment: In silico analysis suggests that this missense variant does not alter protein structure/function; Has not been previously published as pathogenic or benign to our knowledge

Labcorp Genetics (formerly Invitae), Labcorp
Classification: Uncertain significance for Isovaleryl-CoA dehydrogenase deficiency. Last evaluated: 2024-11-11. Review status: criteria provided, single submitter. Criteria: Invitae Variant Classification Sherloc (09022015). Collection method: clinical testing. Allele origin: germline.
Comment: This sequence change replaces alanine, which is neutral and non-polar, with valine, which is neutral and non-polar, at codon 16 of the IVD protein (p.Ala16Val). This variant is present in population databases (rs189587579, gnomAD 0.05%). This variant has not been reported in the literature in individuals affected with IVD-related conditions. ClinVar contains an entry for this variant (Variation ID: 1442551). An algorithm developed to predict the effect of missense changes on protein structure and function outputs the following: PolyPhen-2: "Benign". The valine amino acid residue is found in multiple mammalian species, which suggests that this missense change does not adversely affect protein function. In summary, the available evidence is currently insufficient to determine the role of this variant in disease. Therefore, it has been classified as a Variant of Uncertain Significance.

Dr. Peter K. Rogan Lab, Western University
No classification provided (evidence only). Condition: Hepatocellular carcinoma. Review status: no classification provided. Collection method: in vitro. Allele origin: not applicable. Functional consequence: retained intron. Not counted in ClinVar's aggregate classification.

NM_002225.5(IVD):c.38C>T (p.Ala13Val)

Gene: IVD (isovaleryl-CoA dehydrogenase; plus strand). Cytogenetic location: 15q15.1.
Variant type: single nucleotide variant.
Coding change: c.38C>T on transcript NM_002225.5 (MANE Select); coding-DNA position 38, C replaced by T.
Protein change: p.Ala13Val; replaces alanine 13 with valine.
Molecular consequence: missense variant. On other transcripts: non-coding transcript variant (1), 5 prime UTR variant (1).
Genome position (GRCh38, 1-based): chr15:40,405,865, C>T. VCF-style: chr15-40405865-C-T. GRCh37 (hg19) VCF-style: chr15-40698066-C-T.
Other names: c.38C>T, p.Ala13Val (NM_001159508.3, NM_001354599.3, NM_001354600.3 and 2 more transcripts); c.-390C>T (NM_001354597.3); c.47C>T (NM_002225.3); short protein forms A13V.
Identifiers: ClinVar variation 1442551 (VCV001442551.6), dbSNP rs189587579, ClinGen allele CA7480475.